The following is an entry in ClinVar:

ClinVar aggregate classification (germline): Uncertain significance (1 of 4 stars; one submission).

Allele frequency attached by ClinVar (database versions not stated): gnomAD 0.00001; TOPMed 0.00001.
gnomAD v4.1: 3 of 1,614,050 alleles (0.00019%); highest among the groups gnomAD compares: Admixed American, 0.005%; no homozygotes.

Submission:

Labcorp Genetics (formerly Invitae), Labcorp
Classification: Uncertain significance. Last evaluated: 2022-05-27. Review status: criteria provided, single submitter. Criteria: Invitae Variant Classification Sherloc (09022015). Collection method: clinical testing. Allele origin: germline.
Comment: This sequence change replaces aspartic acid, which is acidic and polar, with asparagine, which is neutral and polar, at codon 598 of the ABCB4 protein (p.Asp598Asn). This variant is present in population databases (no rsID available, gnomAD 0.003%). This variant has not been reported in the literature in individuals affected with ABCB4-related conditions. Algorithms developed to predict the effect of missense changes on protein structure and function are either unavailable or do not agree on the potential impact of this missense change (SIFT: "Tolerated"; PolyPhen-2: "Possibly Damaging"; Align-GVGD: "Class C0"). In summary, the available evidence is currently insufficient to determine the role of this variant in disease. Therefore, it has been classified as a Variant of Uncertain Significance.

NM_000443.4(ABCB4):c.1792G>A (p.Asp598Asn)

Gene: ABCB4 (ATP binding cassette subfamily B member 4; minus strand). Cytogenetic location: 7q21.12.
Variant type: single nucleotide variant.
Coding change: c.1792G>A on transcript NM_000443.4 (MANE Select); coding-DNA position 1792, G replaced by A.
Protein change: p.Asp598Asn; replaces aspartic acid 598 with asparagine.
Molecular consequence: missense variant.
Genome position (GRCh38, 1-based): chr7:87,431,505, C>T on the plus strand (G>A on the coding strand, the complement: ABCB4 is on the minus strand). VCF-style: chr7-87431505-C-T. GRCh37 (hg19) VCF-style: chr7-87060821-C-T.
Other names: c.1792G>A, p.Asp598Asn (NM_018849.3, NM_018850.3); short protein forms D598N.
Identifiers: ClinVar variation 1940102 (VCV001940102.5), dbSNP rs1459679657, ClinGen allele CA368035190.
Genomic context (GRCh38, chr7:87,431,505, plus strand): 5'-TCAGTTCGCTGTGGCTTCCTTGCTCCACAATTACTCCATCCTCAAACCCAGCGATGACAT[C>T]TGCATTTCGGACCGTAGACAGTCGGTGTGCTATCACAATGGTGGTCCGGCCTTCTCTGGC-3'
Protein context (NP_000434.1, residues 588-608): AHRLSTVRNA[Asp598Asn]VIAGFEDGVI